The following is an entry in ClinVar:

ClinVar aggregate classification (germline): Pathogenic (1 of 4 stars; one submission).

Conditions:
Hypohidrotic X-linked ectodermal dysplasia (XHED). Also called: ECTODERMAL DYSPLASIA 1; Anhidrotic ectodermal dysplasia X-linked; Christ Siemens Touraine syndrome; ECTODERMAL DYSPLASIA 1, HYPOHIDROTIC, X-LINKED; ECTODERMAL DYSPLASIA 1, HYPOHIDROTIC/HAIR/TOOTH TYPE, X-LINKED; ECTODERMAL DYSPLASIA, HYPOHIDROTIC, 1. Identifiers: Orphanet 181, Orphanet 238468, MedGen C0162359, MONDO:0010585, OMIM 305100.

Submission:

Labcorp Genetics (formerly Invitae), Labcorp
Classification: Pathogenic for Hypohidrotic X-linked ectodermal dysplasia. Last evaluated: 2023-11-29. Review status: criteria provided, single submitter. Criteria: Invitae Variant Classification Sherloc (09022015). Collection method: clinical testing. Allele origin: germline.
Comment: This sequence change falls in intron 7 of the EDA gene. It does not directly change the encoded amino acid sequence of the EDA protein. It affects a nucleotide within the consensus splice site. This variant is not present in population databases (gnomAD no frequency). This variant has been observed in individual(s) with clinical features of ectodermal dysplasia (Invitae). In at least one individual the variant was observed to be de novo. Variants that disrupt the consensus splice site are a relatively common cause of aberrant splicing (PMID: 17576681, 9536098). Algorithms developed to predict the effect of sequence changes on RNA splicing suggest that this variant may disrupt the consensus splice site. For these reasons, this variant has been classified as Pathogenic.

Literature cited by the submitters: PubMed 17576681; PubMed 9536098.

NM_001399.5(EDA):c.924+4A>T

Gene: EDA (ectodysplasin A; plus strand). Cytogenetic location: Xq13.1.
Variant type: single nucleotide variant.
Coding change: c.924+4A>T on transcript NM_001399.5 (MANE Select); 4 bases into the intron after coding-DNA position 924, A replaced by T.
Molecular consequence: intron variant.
Genome position (GRCh38, 1-based): chrX:70,033,532, A>T. VCF-style: chrX-70033532-A-T. GRCh37 (hg19) VCF-style: chrX-69253382-A-T.
Other names: c.918+10A>T (NM_001005609.2); c.909+10A>T (NM_001005612.3).
Identifiers: ClinVar variation 2764719 (VCV002764719.3), dbSNP rs2520343545, ClinGen allele CA2697553147.